The following is an entry in ClinVar:

ClinVar aggregate classification (germline): Benign. Review status: criteria provided, multiple submitters, no conflicts (2 of 4 stars). 3 submissions from 3 submitters: Benign (3). Last evaluated 2026-08-11.

Conditions:
BMPR1A-related disorder. Also called: BMPR1A-related condition.

Allele frequency attached by ClinVar (database versions not stated): TOPMed 0.27810; gnomAD 0.28040 and 0.29000; 1000 Genomes Project 0.34165; gnomAD exomes 0.70000.
gnomAD v4.1: 43,976 of 151,980 alleles (29%); highest among the groups gnomAD compares: East Asian, 69%; 7,637 homozygotes.

Submissions (3):

PreventionGenetics, part of Exact Sciences
Classification: Benign for BMPR1A-related condition. Last evaluated: 2026-08-11. Review status: criteria provided, single submitter. Criteria: ACMG Guidelines, 2015. Collection method: clinical testing. Allele origin: germline.
Comment: This variant is classified as benign based on ACMG/AMP sequence variant interpretation guidelines (Richards et al. 2015 PMID: 25741868, with internal and published modifications).

GeneDx
Classification: Benign. Last evaluated: 2019-06-14. Review status: criteria provided, single submitter. Criteria: GeneDx Variant Classification Process June 2021. Collection method: clinical testing. Allele origin: germline. Affected: yes.

Breakthrough Genomics
Classification: Benign. Review status: criteria provided, single submitter. Criteria: ACMG Guidelines, 2015. Collection method: not provided. Allele origin: germline. Inheritance: Autosomal dominant inheritance. Affected: yes.

NC_000010.11:g.86756209G>A

Genes: BMPR1A (bone morphogenetic protein receptor type 1A; plus strand), LOC130004245 (ATAC-STARR-seq lymphoblastoid silent region 2573; plus strand). Cytogenetic location: 10q23.2.
Variant type: single nucleotide variant.
Genome position: GRCh38 VCF-style: chr10-86756209-G-A. GRCh37 (hg19) VCF-style: chr10-88515966-G-A.
Identifiers: ClinVar variation 1229698 (VCV001229698.6), dbSNP rs7070369, ClinGen allele CA13271531.